The following is an entry in ClinVar:

ClinVar aggregate classification (germline): Uncertain significance (1 of 4 stars; one submission).

Conditions:
Hereditary spastic paraplegia 57. Also called: Spastic paraplegia 57, autosomal recessive. Identifiers: Orphanet 431329, MedGen C3714897, MONDO:0014295, OMIM 615658.
Hereditary motor and sensory neuropathy, Okinawa type (HMSNO). Also called: HEREDITARY MOTOR AND SENSORY NEUROPATHY, PROXIMAL TYPE. Identifiers: Orphanet 90117, MedGen C1858338, MONDO:0011468, OMIM 604484.

Allele frequency attached by ClinVar (database versions not stated): gnomAD exomes below 0.00001.
gnomAD v4.1: 2 of 1,562,342 alleles (0.00013%); highest among the groups gnomAD compares: Non-Finnish European, 0.00017%; no homozygotes.

Submission:

Labcorp Genetics (formerly Invitae), Labcorp
Classification: Uncertain significance for Hereditary motor and sensory neuropathy, Okinawa type; Hereditary spastic paraplegia 57. Last evaluated: 2022-04-15. Review status: criteria provided, single submitter. Criteria: Invitae Variant Classification Sherloc (09022015). Collection method: clinical testing. Allele origin: germline.
Comment: In summary, the available evidence is currently insufficient to determine the role of this variant in disease. Therefore, it has been classified as a Variant of Uncertain Significance. Algorithms developed to predict the effect of missense changes on protein structure and function are either unavailable or do not agree on the potential impact of this missense change (SIFT: "Deleterious"; PolyPhen-2: "Probably Damaging"; Align-GVGD: "Class C0"). This variant has not been reported in the literature in individuals affected with TFG-related conditions. This variant is not present in population databases (gnomAD no frequency). This sequence change replaces lysine, which is basic and polar, with threonine, which is neutral and polar, at codon 85 of the TFG protein (p.Lys85Thr).

NM_006070.6(TFG):c.254A>C (p.Lys85Thr)

Gene: TFG (trafficking from ER to golgi regulator; plus strand). Cytogenetic location: 3q12.2.
Variant type: single nucleotide variant.
Coding change: c.254A>C on transcript NM_006070.6 (MANE Select); coding-DNA position 254, A replaced by C.
Protein change: p.Lys85Thr; replaces lysine 85 with threonine.
Molecular consequence: missense variant.
Genome position (GRCh38, 1-based): chr3:100,720,044, A>C. VCF-style: chr3-100720044-A-C. GRCh37 (hg19) VCF-style: chr3-100438888-A-C.
Other names: c.254A>C, p.Lys85Thr (NM_001007565.2, NM_001195478.2, NM_001195479.2); short protein forms K85T.
Identifiers: ClinVar variation 2126515 (VCV002126515.4), dbSNP rs1335010812, ClinGen allele CA353839580.